The following is an entry in ClinVar:

ClinVar aggregate classification (germline): Uncertain significance (1 of 4 stars; one submission).

Submission:

Labcorp Genetics (formerly Invitae), Labcorp
Classification: Uncertain significance. Last evaluated: 2024-08-04. Review status: criteria provided, single submitter. Criteria: Invitae Variant Classification Sherloc (09022015). Collection method: clinical testing. Allele origin: germline.
Comment: This sequence change replaces alanine, which is neutral and non-polar, with threonine, which is neutral and polar, at codon 888 of the SLC4A1 protein (p.Ala888Thr). This variant is not present in population databases (gnomAD no frequency). This variant has not been reported in the literature in individuals affected with SLC4A1-related conditions. Advanced modeling of protein sequence and biophysical properties (such as structural, functional, and spatial information, amino acid conservation, physicochemical variation, residue mobility, and thermodynamic stability) performed at Invitae indicates that this missense variant is not expected to disrupt SLC4A1 protein function with a negative predictive value of 80%. In summary, the available evidence is currently insufficient to determine the role of this variant in disease. Therefore, it has been classified as a Variant of Uncertain Significance.

NM_000342.4(SLC4A1):c.2662G>A (p.Ala888Thr)

Gene: SLC4A1 (solute carrier family 4 member 1 (Diego blood group); minus strand). Cytogenetic location: 17q21.31.
Variant type: single nucleotide variant.
Coding change: c.2662G>A on transcript NM_000342.4 (MANE Select); coding-DNA position 2662, G replaced by A.
Protein change: p.Ala888Thr; replaces alanine 888 with threonine.
Molecular consequence: missense variant.
Genome position (GRCh38, 1-based): chr17:44,250,532, C>T on the plus strand (G>A on the coding strand, the complement: SLC4A1 is on the minus strand). VCF-style: chr17-44250532-C-T. GRCh37 (hg19) VCF-style: chr17-42327900-C-T.
Other names: short protein forms A888T.
Identifiers: ClinVar variation 3661393 (VCV003661393.2).